The following is an entry in ClinVar:

NM_001256789.3(CACNA1F):c.665-1G>A

Gene: CACNA1F (calcium voltage-gated channel subunit alpha1 F; minus strand). Cytogenetic location: Xp11.23.
Variant type: single nucleotide variant.
Coding change: c.665-1G>A on transcript NM_001256789.3 (MANE Select); the canonical splice acceptor site of the intron before coding-DNA position 665, G replaced by A.
Molecular consequence: splice acceptor variant.
Genome position (GRCh38, 1-based): chrX:49,230,373, C>T on the plus strand (G>A on the coding strand, the complement: CACNA1F is on the minus strand). VCF-style: chrX-49230373-C-T. GRCh37 (hg19) VCF-style: chrX-49086835-C-T.
Other names: c.665-1G>A (NM_005183.4); c.470-1G>A (NM_001256790.3).
Identifiers: ClinVar variation 1503831 (VCV001503831.8), dbSNP rs2147924133, ClinGen allele CA412925039.

ClinVar aggregate classification (germline): Likely pathogenic (1 of 4 stars; one submission).

Submission:

Labcorp Genetics (formerly Invitae), Labcorp
Classification: Likely pathogenic. Last evaluated: 2021-04-11. Review status: criteria provided, single submitter. Criteria: Invitae Variant Classification Sherloc (09022015). Collection method: clinical testing. Allele origin: germline.
Comment: In summary, the currently available evidence indicates that the variant is pathogenic, but additional data are needed to prove that conclusively. Therefore, this variant has been classified as Likely Pathogenic. Algorithms developed to predict the effect of sequence changes on RNA splicing suggest that this variant may disrupt the consensus splice site, but this prediction has not been confirmed by published transcriptional studies. This variant has not been reported in the literature in individuals with CACNA1F-related conditions. This variant is not present in population databases (ExAC no frequency). This sequence change affects an acceptor splice site in intron 5 of the CACNA1F gene. It is expected to disrupt RNA splicing. Variants that disrupt the donor or acceptor splice site typically lead to a loss of protein function (PMID: 16199547), and loss-of-function variants in CACNA1F are known to be pathogenic (PMID: 9662399, 11281458, 17525176, 22194652, 24124559, 26992781).

Literature cited by the submitters: PubMed 16199547; PubMed 9662399; PubMed 11281458; PubMed 17525176; PubMed 22194652; PubMed 24124559; PubMed 26992781.